The following is an entry in ClinVar:

NM_139057.4(ADAMTS17):c.*671C>T

Gene: ADAMTS17 (ADAM metallopeptidase with thrombospondin type 1 motif 17; minus strand). Cytogenetic location: 15q26.3.
Variant type: single nucleotide variant.
Coding change: c.*671C>T on transcript NM_139057.4 (MANE Select); 671 bases downstream of the stop codon, C replaced by T.
Molecular consequence: 3 prime UTR variant.
Genome position (GRCh38, 1-based): chr15:99,973,731, G>A on the plus strand (C>T on the coding strand, the complement: ADAMTS17 is on the minus strand). VCF-style: chr15-99973731-G-A. GRCh37 (hg19) VCF-style: chr15-100513936-G-A.
Identifiers: ClinVar variation 315218 (VCV000315218.5), dbSNP rs76681073, ClinGen allele CA10642859.

ClinVar aggregate classification (germline): Benign (1 of 4 stars; one submission).

Conditions:
Weill-Marchesani 4 syndrome, recessive. Also called: Weill-Marchesani syndrome 4. Identifiers: Orphanet 363992, MedGen C2750787, MONDO:0013176, OMIM 613195.

Allele frequency attached by ClinVar (database versions not stated): gnomAD exomes 0.00049; gnomAD 0.00083 and 0.00139; TOPMed 0.00135; 1000 Genomes Project 30x 0.00593; 1000 Genomes Project 0.00619.
gnomAD v4.1: 215 of 156,584 alleles (0.14%); highest among the groups gnomAD compares: East Asian, 3%; 3 homozygotes.

Submission:

Illumina Laboratory Services, Illumina
Classification: Benign for Weill-Marchesani 4 syndrome, recessive. Last evaluated: 2018-01-12. Review status: criteria provided, single submitter. Criteria: ICSL Variant Classification Criteria 13 December 2019. Collection method: clinical testing. Allele origin: germline.
Comment: This variant was observed in the ICSL laboratory as part of a predisposition screen in an ostensibly healthy population. It had not been previously curated by ICSL or reported in the Human Gene Mutation Database (HGMD: prior to June 1st, 2018), and was therefore a candidate for classification through an automated scoring system. Utilizing variant allele frequency, disease prevalence and penetrance estimates, and inheritance mode, an automated score was calculated to assess if this variant is too frequent to cause the disease. Based on the score and internal cut-off values, a variant classified as benign is not then subjected to further curation. The score for this variant resulted in a classification of benign for this disease.